The following is an entry in ClinVar:

ClinVar aggregate classification (germline): Conflicting classifications of pathogenicity. Review status: criteria provided, conflicting classifications (1 of 4 stars). 9 submissions from 9 submitters: Uncertain significance (6); Likely benign (1). 2 of the submissions do not count toward it. Last evaluated 2026-02-24.

Conditions:
ATM-related disorder. Also called: ATM-related disorders; ATM-related condition.
Hereditary cancer-predisposing syndrome. Also called: Tumor predisposition; Neoplastic Syndromes, Hereditary; Hereditary Cancer Syndrome; Hereditary neoplastic syndrome. Identifiers: Orphanet 140162, MedGen C0027672, MeSH D009386, MONDO:0015356.
Ataxia-telangiectasia syndrome (AT). Also called: LOUIS-BAR SYNDROME; Ataxia-telangiectasia, complementation group D; Ataxia telangiectasia (A-T); AT, COMPLEMENTATION GROUP C; ATAXIA-TELANGIECTASIA, COMPLEMENTATION GROUP A; ATAXIA-TELANGIECTASIA, FRESNO VARIANT. Identifiers: Orphanet 100, MedGen C0004135, MONDO:0008840, OMIM 208900.

Allele frequency attached by ClinVar (database versions not stated): ExAC 0.00002; gnomAD exomes 0.00002; TOPMed 0.00002; gnomAD 0.00003.
gnomAD v4.1: 34 of 1,613,268 alleles (0.0021%); highest among the groups gnomAD compares: Non-Finnish European, 0.0027%; no homozygotes.

Submissions (9):

PreventionGenetics, part of Exact Sciences
Classification: Uncertain significance for ATM-related condition. Last evaluated: 2026-02-24. Review status: criteria provided, single submitter. Criteria: ACMG Guidelines, 2015. Collection method: clinical testing. Allele origin: germline.
Comment: The ATM c.4445G>A variant is predicted to result in the amino acid substitution p.Cys1482Tyr. This variant has been reported in individuals with a personal and/or family history of ovarian cancer and/or breast cancer and lung adenocarcinoma (Supplemental Information 2, Cohort 1 VUS, Tung et al. 2015. PubMed ID: 25186627; Breast Cancer Association Consortium et al. 2021. PubMed ID: 33471991; Lu et al. 2015. PubMed ID: 26689913), as well as in two healthy controls (Breast Cancer Association Consortium et al. 2021. PubMed ID: 33471991). This variant is reported in 0.0053% of alleles in individuals of European (Non-Finnish) descent in gnomAD and has conflicting interpretations in ClinVar ranging from uncertain to likely benign (Variation ID: 185247). At this time, the clinical significance of this variant is uncertain due to the absence of conclusive functional and genetic evidence.

Ambry Genetics
Classification: Likely benign for Hereditary cancer-predisposing syndrome. Last evaluated: 2025-02-14. Review status: criteria provided, single submitter. Criteria: Ambry Variant Classification Scheme 2023. Collection method: clinical testing. Allele origin: germline.

CeGaT Center for Human Genetics Tuebingen
Classification: Uncertain significance. Last evaluated: 2025-02-01. Review status: criteria provided, single submitter. Criteria: CeGaT Center For Human Genetics Tuebingen Variant Classification Criteria Version 2. Collection method: clinical testing. Allele origin: germline. Affected: yes. Observed: 1 variant allele.
Comment: ATM: PM2, BP4

Color Diagnostics, LLC DBA Color Health
Classification: Uncertain significance for Hereditary cancer-predisposing syndrome. Last evaluated: 2024-12-24. Review status: criteria provided, single submitter. Criteria: ACMG Guidelines, 2015. Collection method: clinical testing. Allele origin: germline.
Comment: This missense variant replaces cysteine with tyrosine at codon 1482 of the ATM protein. Computational prediction suggests that this variant may not impact protein structure and function. To our knowledge, functional studies have not been reported for this variant. This variant has been reported in individuals affected with breast cancer (PMID: 25186627, 33471991) and lung adenocarcinoma (PMID: 26689913). This variant has been identified in 6/251250 chromosomes in the general population by the Genome Aggregation Database (gnomAD). The available evidence is insufficient to determine the role of this variant in disease conclusively. Therefore, this variant is classified as a Variant of Uncertain Significance.

Labcorp Genetics (formerly Invitae), Labcorp
Classification: Uncertain significance for Ataxia-telangiectasia syndrome. Last evaluated: 2024-12-11. Review status: criteria provided, single submitter. Criteria: Invitae Variant Classification Sherloc (09022015). Collection method: clinical testing. Allele origin: germline.
Comment: This sequence change replaces cysteine, which is neutral and slightly polar, with tyrosine, which is neutral and polar, at codon 1482 of the ATM protein (p.Cys1482Tyr). This variant is present in population databases (rs201277352, gnomAD 0.004%). This missense change has been observed in individual(s) with breast cancer and/or lung adenocarcinoma (PMID: 25186627, 26689913). ClinVar contains an entry for this variant (Variation ID: 185247). Invitae Evidence Modeling of protein sequence and biophysical properties (such as structural, functional, and spatial information, amino acid conservation, physicochemical variation, residue mobility, and thermodynamic stability) indicates that this missense variant is not expected to disrupt ATM protein function with a negative predictive value of 95%. In summary, the available evidence is currently insufficient to determine the role of this variant in disease. Therefore, it has been classified as a Variant of Uncertain Significance.

Blueprint Genetics
Classification: Uncertain significance. Last evaluated: 2023-01-31. Review status: criteria provided, single submitter. Criteria: ACMG Guidelines, 2015. Collection method: clinical testing. Allele origin: germline.

GeneDx
Classification: Uncertain significance. Last evaluated: 2018-07-12. Review status: criteria provided, single submitter. Criteria: GeneDx Variant Classification (06012015). Collection method: clinical testing. Allele origin: germline. Affected: yes.
Comment: This variant is denoted ATM c.4445G>A at the cDNA level, p.Cys1482Tyr (C1482Y) at the protein level, and results in the change of a Cysteine to a Tyrosine (TGT>TAT). This variant has been observed in individuals with lung adenocarcinoma or breast cancer (Lu 2015, Tung 2015). ATM Cys1482Tyr was not observed at a significant allele frequency in large population cohorts (Lek 2016). This variant is not located in a known functional domain. In silico analysis, which includes protein predictors and evolutionary conservation, supports that this variant does not alter protein structure/function. Based on currently available evidence, it is unclear whether ATM Cys1482Tyr is a pathogenic or benign variant. We consider it to be a variant of uncertain significance.

Natera, Inc.
Classification: Uncertain significance for Ataxia-telangiectasia. Last evaluated: 2020-09-16. Review status: no assertion criteria provided. Collection method: clinical testing. Allele origin: germline. Not counted in ClinVar's aggregate classification.

Counsyl
Classification: Uncertain significance for Ataxia-telangiectasia syndrome. Last evaluated: 2017-06-02. Review status: no assertion criteria provided. Collection method: clinical testing. Allele origin: unknown. Not counted in ClinVar's aggregate classification.

Literature cited by the submitters: PubMed 25186627 (cited by 3 submitters); PubMed 26689913 (cited by Color Diagnostics, LLC DBA Color Health and Labcorp Genetics (formerly Invitae), Labcorp); PubMed 33471991 (cited by Color Diagnostics, LLC DBA Color Health).

NM_000051.4(ATM):c.4445G>A (p.Cys1482Tyr)

Gene: ATM (ATM serine/threonine kinase; plus strand). Cytogenetic location: 11q22.3.
Variant type: single nucleotide variant.
Coding change: c.4445G>A on transcript NM_000051.4 (MANE Select); coding-DNA position 4445, G replaced by A.
Protein change: p.Cys1482Tyr; replaces cysteine 1482 with tyrosine.
Molecular consequence: missense variant.
Genome position (GRCh38, 1-based): chr11:108,292,627, G>A. VCF-style: chr11-108292627-G-A. GRCh37 (hg19) VCF-style: chr11-108163354-G-A.
Other names: c.4445G>A, p.Cys1482Tyr (NM_001351834.2); short protein forms C1482Y.
Identifiers: ClinVar variation 185247 (VCV000185247.39), dbSNP rs201277352, ClinGen allele CA191440.